The following is an entry in ClinVar:

ClinVar aggregate classification (germline): Uncertain significance (1 of 4 stars; one submission).

Allele frequency attached by ClinVar (database versions not stated): TOPMed below 0.00001.

Submission:

Labcorp Genetics (formerly Invitae), Labcorp
Classification: Uncertain significance. Last evaluated: 2021-11-11. Review status: criteria provided, single submitter. Criteria: Invitae Variant Classification Sherloc (09022015). Collection method: clinical testing. Allele origin: germline.
Comment: This sequence change replaces glycine, which is neutral and non-polar, with glutamic acid, which is acidic and polar, at codon 1645 of the USH2A protein (p.Gly1645Glu). This variant is not present in population databases (gnomAD no frequency). This variant has not been reported in the literature in individuals affected with USH2A-related conditions. Algorithms developed to predict the effect of missense changes on protein structure and function are either unavailable or do not agree on the potential impact of this missense change (SIFT: "Deleterious"; PolyPhen-2: "Probably Damaging"; Align-GVGD: "Class C0"). In summary, the available evidence is currently insufficient to determine the role of this variant in disease. Therefore, it has been classified as a Variant of Uncertain Significance.

NM_206933.4(USH2A):c.4934G>A (p.Gly1645Glu)

Genes: USH2A (usherin; minus strand), USH2A-AS2 (USH2A antisense RNA 2; plus strand). Cytogenetic location: 1q41.
Variant type: single nucleotide variant.
Coding change: c.4934G>A on transcript NM_206933.4 (MANE Select); coding-DNA position 4934, G replaced by A.
Protein change: p.Gly1645Glu; replaces glycine 1645 with glutamic acid.
Molecular consequence: missense variant. On other transcripts: non-coding transcript variant (2).
Genome position (GRCh38, 1-based): chr1:216,086,772, C>T on the plus strand (G>A on the coding strand, the complement: USH2A is on the minus strand). VCF-style: chr1-216086772-C-T. GRCh37 (hg19) VCF-style: chr1-216260114-C-T.
Other names: short protein forms G1645E.
Identifiers: ClinVar variation 1385343 (VCV001385343.3), dbSNP rs2032147421, ClinGen allele CA344859829.